The following is an entry in ClinVar:

ClinVar aggregate classification (germline): Uncertain significance (1 of 4 stars; one submission).

Conditions:
Perlman syndrome (PRLMNS). Identifiers: Orphanet 2849, MedGen C0796113, MONDO:0009965, OMIM 267000.

Submission:

Labcorp Genetics (formerly Invitae), Labcorp
Classification: Uncertain significance for Perlman syndrome. Last evaluated: 2022-06-08. Review status: criteria provided, single submitter. Criteria: Invitae Variant Classification Sherloc (09022015). Collection method: clinical testing. Allele origin: germline.
Comment: This variant has not been reported in the literature in individuals affected with DIS3L2-related conditions. In summary, the available evidence is currently insufficient to determine the role of this variant in disease. Therefore, it has been classified as a Variant of Uncertain Significance. Algorithms developed to predict the effect of missense changes on protein structure and function (SIFT, PolyPhen-2, Align-GVGD) all suggest that this variant is likely to be disruptive. This variant is not present in population databases (gnomAD no frequency). This sequence change replaces arginine, which is basic and polar, with leucine, which is neutral and non-polar, at codon 245 of the DIS3L2 protein (p.Arg245Leu).

NM_152383.5(DIS3L2):c.734G>T (p.Arg245Leu)

Gene: DIS3L2 (DIS3 like 3'-5' exoribonuclease 2; plus strand). Cytogenetic location: 2q37.1.
Variant type: single nucleotide variant.
Coding change: c.734G>T on transcript NM_152383.5 (MANE Select); coding-DNA position 734, G replaced by T.
Protein change: p.Arg245Leu; replaces arginine 245 with leucine.
Molecular consequence: missense variant. On other transcripts: non-coding transcript variant (1).
Genome position (GRCh38, 1-based): chr2:232,136,503, G>T. VCF-style: chr2-232136503-G-T. GRCh37 (hg19) VCF-style: chr2-233001213-G-T.
Other names: c.734G>T, p.Arg245Leu (NM_001257281.2); short protein forms R245L.
Identifiers: ClinVar variation 1517988 (VCV001517988.8), dbSNP rs1201462126, ClinGen allele CA351153479.